The following is an entry in ClinVar:

NM_004369.4(COL6A3):c.7595A>G (p.Lys2532Arg)

Gene: COL6A3 (collagen type VI alpha 3 chain; minus strand). Cytogenetic location: 2q37.3.
Variant type: single nucleotide variant.
Coding change: c.7595A>G on transcript NM_004369.4 (MANE Select); coding-DNA position 7595, A replaced by G.
Protein change: p.Lys2532Arg; replaces lysine 2532 with arginine.
Molecular consequence: missense variant.
Genome position (GRCh38, 1-based): chr2:237,344,423, T>C on the plus strand (A>G on the coding strand, the complement: COL6A3 is on the minus strand). VCF-style: chr2-237344423-T-C. GRCh37 (hg19) VCF-style: chr2-238253066-T-C.
Other names: c.5774A>G, p.Lys1925Arg (NM_057166.5); c.6977A>G, p.Lys2326Arg (NM_057167.4); short protein forms K1925R, K2326R, K2532R.
Identifiers: ClinVar variation 2061101 (VCV002061101.4), dbSNP rs2469816850, ClinGen allele CA351201896.

ClinVar aggregate classification (germline): Uncertain significance (1 of 4 stars; one submission).

Conditions:
Bethlem myopathy 1A. Also called: MYOPATHY, BENIGN CONGENITAL, WITH CONTRACTURES; Bethlem Muscular Dystrophy; Bethlem myopathy 1. Identifiers: Orphanet 610, MedGen CN029274, MONDO:0024530, OMIM 158810.

Submission:

Labcorp Genetics (formerly Invitae), Labcorp
Classification: Uncertain significance for Bethlem myopathy 1A. Last evaluated: 2023-08-17. Review status: criteria provided, single submitter. Criteria: Invitae Variant Classification Sherloc (09022015). Collection method: clinical testing. Allele origin: germline.
Comment: In summary, the available evidence is currently insufficient to determine the role of this variant in disease. Therefore, it has been classified as a Variant of Uncertain Significance. Advanced modeling of protein sequence and biophysical properties (such as structural, functional, and spatial information, amino acid conservation, physicochemical variation, residue mobility, and thermodynamic stability) performed at Invitae indicates that this missense variant is not expected to disrupt COL6A3 protein function. ClinVar contains an entry for this variant (Variation ID: 2061101). This variant has not been reported in the literature in individuals affected with COL6A3-related conditions. This variant is not present in population databases (gnomAD no frequency). This sequence change replaces lysine, which is basic and polar, with arginine, which is basic and polar, at codon 2532 of the COL6A3 protein (p.Lys2532Arg).